The following is an entry in ClinVar:

NM_000455.5(STK11):c.1060T>C (p.Phe354Leu)

Genes: STK11 (serine/threonine kinase 11; plus strand), LOC130062899 (ATAC-STARR-seq lymphoblastoid active region 13597; plus strand). Cytogenetic location: 19p13.3.
Variant type: single nucleotide variant.
Coding change: c.1060T>C on transcript NM_000455.5 (MANE Select); coding-DNA position 1060, T replaced by C.
Protein change: p.Phe354Leu; replaces phenylalanine 354 with leucine.
Molecular consequence: missense variant.
Genome position (GRCh38, 1-based): chr19:1,223,124, T>C. VCF-style: chr19-1223124-T-C. GRCh37 (hg19) VCF-style: chr19-1223123-T-C.
Other names: short protein forms F354L.
Identifiers: ClinVar variation 376711 (VCV000376711.13), dbSNP rs1057520018, ClinGen allele CA16603121.

ClinVar aggregate classification (germline): Benign/Likely benign. Review status: criteria provided, multiple submitters, no conflicts (2 of 4 stars). 3 submissions from 3 submitters: Benign (1); Likely benign (2). Last evaluated 2025-05-15.

Conditions:
Hereditary cancer-predisposing syndrome. Also called: Hereditary neoplastic syndrome; Tumor predisposition; Neoplastic Syndromes, Hereditary; Hereditary Cancer Syndrome. Identifiers: Orphanet 140162, MedGen C0027672, MeSH D009386, MONDO:0015356.
Peutz-Jeghers syndrome (PJS). Also called: Peutz-Jeghers polyposis; Periorificial lentiginosis syndrome; POLYPOSIS, HAMARTOMATOUS INTESTINAL; POLYPS-AND-SPOTS SYNDROME. Identifiers: Orphanet 2869, MedGen C0031269, MeSH D010580, MONDO:0008280, OMIM 175200.

Allele frequency attached by ClinVar (database versions not stated): gnomAD 0.00003.

Submissions (3):

Labcorp Genetics (formerly Invitae), Labcorp
Classification: Likely benign for Peutz-Jeghers syndrome. Last evaluated: 2025-05-15. Review status: criteria provided, single submitter. Criteria: Invitae Variant Classification Sherloc (09022015). Collection method: clinical testing. Allele origin: germline.

Myriad Genetics, Inc.
Classification: Benign for Peutz-Jeghers syndrome. Last evaluated: 2025-03-28. Review status: criteria provided, single submitter. Criteria: Myriad Autosomal Dominant, Autosomal Recessive and X-Linked Classification Criteria (2023). Collection method: clinical testing. Allele origin: unknown.
Comment: This variant is considered benign. This variant has been observed at a population frequency that is significantly greater than expected given the associated disease prevalence and penetrance.

Ambry Genetics
Classification: Likely benign for Hereditary cancer-predisposing syndrome. Last evaluated: 2024-07-16. Review status: criteria provided, single submitter. Criteria: Ambry Variant Classification Scheme 2023. Collection method: clinical testing. Allele origin: germline.